The following is an entry in ClinVar:

ClinVar aggregate classification (germline): Uncertain significance (1 of 4 stars; one submission).

Allele frequency attached by ClinVar (database versions not stated): ExAC 0.00001.

Submission:

GeneDx
Classification: Uncertain significance. Last evaluated: 2019-05-14. Review status: criteria provided, single submitter. Criteria: GeneDx Variant Classification Process June 2021. Collection method: clinical testing. Allele origin: germline. Affected: yes.
Comment: Not observed in large population cohorts (Lek et al., 2016); The majority of missense variants in this gene are considered pathogenic (Stenson et al., 2014); In silico analysis, which includes protein predictors and evolutionary conservation, supports a deleterious effect; Has not been previously published as pathogenic or benign to our knowledge

NM_001382.4(DPAGT1):c.141C>A (p.Asn47Lys)

Genes: DPAGT1 (dolichyl-phosphate N-acetylglucosaminephosphotransferase 1; minus strand), LOC126861360 (BRD4-independent group 4 enhancer GRCh37_chr11:118972216-118973415; plus strand). Cytogenetic location: 11q23.3.
Variant type: single nucleotide variant.
Coding change: c.141C>A on transcript NM_001382.4 (MANE Select); coding-DNA position 141, C replaced by A.
Protein change: p.Asn47Lys; replaces asparagine 47 with lysine.
Molecular consequence: missense variant.
Genome position (GRCh38, 1-based): chr11:119,101,515, G>T on the plus strand (C>A on the coding strand, the complement: DPAGT1 is on the minus strand). VCF-style: chr11-119101515-G-T. GRCh37 (hg19) VCF-style: chr11-118972225-G-T.
Other names: short protein forms N47K.
Identifiers: ClinVar variation 1305837 (VCV001305837.2), dbSNP rs764358497, ClinGen allele CA6314723.
Genomic context (GRCh38, chr11:119,101,515, plus strand): 5'-AGCCCTTGCCCCCTGCCCGGACCCGTGTGCCGCTGCTCACATCTGCTGTCGGCTGGTTTT[G>T]TTGAGGTCCTGACCACAGAGGCGCGCAGCAATGAAGTGGCCCCGGAAGGCCGGGATGAGG-3'
Protein context (NP_001373.2, residues 37-57): IAARLCGQDL[Asn47Lys]KTSRQQIPES